The following is an entry in ClinVar:

NM_012418.4(FSCN2):c.380C>T (p.Pro127Leu)

Gene: FSCN2 (fascin actin-bundling protein 2, retinal; plus strand). Cytogenetic location: 17q25.3.
Variant type: single nucleotide variant.
Coding change: c.380C>T on transcript NM_012418.4 (MANE Select); coding-DNA position 380, C replaced by T.
Protein change: p.Pro127Leu; replaces proline 127 with leucine.
Molecular consequence: missense variant.
Genome position (GRCh38, 1-based): chr17:81,528,911, C>T. VCF-style: chr17-81528911-C-T. GRCh37 (hg19) VCF-style: chr17-79495937-C-T.
Other names: c.380C>T, p.Pro127Leu (NM_001077182.3); short protein forms P127L.
Identifiers: ClinVar variation 853801 (VCV000853801.8), dbSNP rs377179386, ClinGen allele CA8836662.
Genomic context (GRCh38, chr17:81,528,911, plus strand): 5'-ACGGCCGCTTCTTCGGAGGCACCGAGGACCAGCTGTCCTGCTTCGCCACAGCCGTTTCCC[C>T]GGCCGAGCTGTGGACCGTGCACCTGGCCATCCACCCGCAGGCCCACCTGCTGAGCGTGAG-3'
Protein context (NP_036550.1, residues 117-137): QLSCFATAVS[Pro127Leu]AELWTVHLAI

ClinVar aggregate classification (germline): Uncertain significance. Review status: criteria provided, multiple submitters, no conflicts (2 of 4 stars). 2 submissions from 2 submitters: Uncertain significance (2). Last evaluated 2025-12-18.

Allele frequency attached by ClinVar (database versions not stated): gnomAD 0.00006 and 0.00009; TOPMed 0.00008; 1000 Genomes Project 30x 0.00016; ESP Exome Variant Server 0.00016; 1000 Genomes Project 0.00020; ExAC 0.00033.
gnomAD v4.1: 477 of 1,588,482 alleles (0.03%); highest among the groups gnomAD compares: Non-Finnish European, 0.037%; 2 homozygotes.

Submissions (2):

Labcorp Genetics (formerly Invitae), Labcorp
Classification: Uncertain significance. Last evaluated: 2025-12-18. Review status: criteria provided, single submitter. Criteria: Invitae Variant Classification Sherloc (09022015). Collection method: clinical testing. Allele origin: germline.
Comment: This sequence change replaces proline, which is neutral and non-polar, with leucine, which is neutral and non-polar, at codon 127 of the FSCN2 protein (p.Pro127Leu). This variant is present in population databases (rs377179386, gnomAD 0.04%). This variant has not been reported in the literature in individuals affected with FSCN2-related conditions. ClinVar contains an entry for this variant (Variation ID: 853801). An algorithm developed to predict the effect of missense changes on protein structure and function (PolyPhen-2) suggests that this variant is likely to be tolerated. In summary, the available evidence is currently insufficient to determine the role of this variant in disease. Therefore, it has been classified as a Variant of Uncertain Significance.

Ambry Genetics
Classification: Uncertain significance. Last evaluated: 2024-01-08. Review status: criteria provided, single submitter. Criteria: Ambry Variant Classification Scheme 2023. Collection method: clinical testing. Allele origin: germline.